The following is an entry in ClinVar:

ClinVar aggregate classification (germline): Uncertain significance (1 of 4 stars; one submission).

gnomAD v4.1: 66 of 1,614,070 alleles (0.0041%); highest among the groups gnomAD compares: African/African-American, 0.0093%; no homozygotes.

Submission:

GeneDx
Classification: Uncertain significance. Last evaluated: 2026-09-27. Review status: criteria provided, single submitter. Criteria: GeneDx Variant Classification Process June 2021. Collection method: clinical testing. Allele origin: germline.
Comment: In silico analysis suggests that this missense variant does not alter protein structure/function; Has not been previously published as pathogenic or benign to our knowledge

NM_139278.4(LGI3):c.1033G>A (p.Val345Met)

Gene: LGI3 (leucine rich repeat LGI family member 3; minus strand). Cytogenetic location: 8p21.3.
Variant type: single nucleotide variant.
Coding change: c.1033G>A on transcript NM_139278.4 (MANE Select); coding-DNA position 1033, G replaced by A.
Protein change: p.Val345Met; replaces valine 345 with methionine.
Molecular consequence: missense variant.
Genome position (GRCh38, 1-based): chr8:22,148,774, C>T on the plus strand (G>A on the coding strand, the complement: LGI3 is on the minus strand). VCF-style: chr8-22148774-C-T. GRCh37 (hg19) VCF-style: chr8-22006287-C-T.
Other names: short protein forms V345M.
Identifiers: ClinVar variation 3371917 (VCV003371917.2).